The following is an entry in ClinVar:

NM_001127649.3(PEX26):c.554C>T (p.Ala185Val)

Gene: PEX26 (peroxisomal biogenesis factor 26; plus strand). Cytogenetic location: 22q11.21.
Variant type: single nucleotide variant.
Coding change: c.554C>T on transcript NM_001127649.3 (MANE Select); coding-DNA position 554, C replaced by T.
Protein change: p.Ala185Val; replaces alanine 185 with valine.
Molecular consequence: missense variant.
Genome position (GRCh38, 1-based): chr22:18,083,619, C>T. VCF-style: chr22-18083619-C-T. GRCh37 (hg19) VCF-style: chr22-18566385-C-T.
Other names: c.554C>T, p.Ala185Val (NM_001199319.2, NM_017929.6); short protein forms A185V.
Identifiers: ClinVar variation 597215 (VCV000597215.12), dbSNP rs370147115, ClinGen allele CA10093351.

ClinVar aggregate classification (germline): Uncertain significance. Review status: criteria provided, multiple submitters, no conflicts (2 of 4 stars). 4 submissions from 4 submitters: Uncertain significance (4). Last evaluated 2022-11-08.

Conditions:
Peroxisome biogenesis disorder 7A (Zellweger). Also called: Peroxisome biogenesis disorder 7A. Identifiers: Orphanet 912, MedGen C3888385, MONDO:0013938, OMIM 614872.
Peroxisome biogenesis disorder 7B (PBD7B). Identifiers: Orphanet 44, MedGen C3553951, MONDO:0013939, OMIM 614873.
Inborn genetic diseases. Identifiers: MedGen C0950123, MeSH D030342.

Allele frequency attached by ClinVar (database versions not stated): gnomAD 0.00001; TOPMed 0.00001; ExAC 0.00004; gnomAD exomes 0.00005 and 0.00007; ESP Exome Variant Server 0.00008.
gnomAD v4.1: 104 of 1,613,948 alleles (0.0064%); highest among the groups gnomAD compares: Non-Finnish European, 0.008%; no homozygotes.

Submissions (4):

Ambry Genetics
Classification: Uncertain significance for Inborn genetic diseases. Last evaluated: 2022-11-08. Review status: criteria provided, single submitter. Criteria: Ambry Variant Classification Scheme 2023. Collection method: clinical testing. Allele origin: germline.

Labcorp Genetics (formerly Invitae), Labcorp
Classification: Uncertain significance for Peroxisome biogenesis disorder 7A (Zellweger); Peroxisome biogenesis disorder 7B. Last evaluated: 2022-10-14. Review status: criteria provided, single submitter. Criteria: Invitae Variant Classification Sherloc (09022015). Collection method: clinical testing. Allele origin: germline.
Comment: This sequence change replaces alanine, which is neutral and non-polar, with valine, which is neutral and non-polar, at codon 185 of the PEX26 protein (p.Ala185Val). This variant is present in population databases (rs370147115, gnomAD 0.01%). This variant has not been reported in the literature in individuals affected with PEX26-related conditions. ClinVar contains an entry for this variant (Variation ID: 597215). Advanced modeling of protein sequence and biophysical properties (such as structural, functional, and spatial information, amino acid conservation, physicochemical variation, residue mobility, and thermodynamic stability) performed at Invitae indicates that this missense variant is not expected to disrupt PEX26 protein function. In summary, the available evidence is currently insufficient to determine the role of this variant in disease. Therefore, it has been classified as a Variant of Uncertain Significance.

Eurofins Ntd Llc (ga)
Classification: Uncertain significance. Last evaluated: 2018-05-14. Review status: criteria provided, single submitter. Criteria: EGL ClinVar v180209 classification definitions. Collection method: clinical testing. Allele origin: germline. Observed: 1 variant allele, 1 heterozygote.

Illumina Laboratory Services, Illumina
Classification: Uncertain significance for Peroxisome biogenesis disorder 7A (Zellweger). Last evaluated: 2018-01-13. Review status: criteria provided, single submitter. Criteria: ICSL Variant Classification Criteria 13 December 2019. Collection method: clinical testing. Allele origin: germline.